The following is an entry in ClinVar:

ClinVar aggregate classification (germline): Uncertain significance (1 of 4 stars; one submission).

Conditions:
Familial hemiplegic migraine. Identifiers: MedGen C0338484, MONDO:0000700.

gnomAD v4.1: 2 of 1,614,086 alleles (0.00012%); highest among the groups gnomAD compares: African/African-American, 0.0013%; no homozygotes.

Submission:

Labcorp Genetics (formerly Invitae), Labcorp
Classification: Uncertain significance for Familial hemiplegic migraine. Last evaluated: 2024-06-04. Review status: criteria provided, single submitter. Criteria: Invitae Variant Classification Sherloc (09022015). Collection method: clinical testing. Allele origin: germline.
Comment: This sequence change falls in intron 20 of the ATP1A2 gene. It does not directly change the encoded amino acid sequence of the ATP1A2 protein. It affects a nucleotide within the consensus splice site. This variant is not present in population databases (gnomAD no frequency). This variant has not been reported in the literature in individuals affected with ATP1A2-related conditions. Variants that disrupt the consensus splice site are a relatively common cause of aberrant splicing (PMID: 17576681, 9536098). Algorithms developed to predict the effect of sequence changes on RNA splicing suggest that this variant is not likely to affect RNA splicing. In summary, the available evidence is currently insufficient to determine the role of this variant in disease. Therefore, it has been classified as a Variant of Uncertain Significance.

Literature cited by the submitters: PubMed 17576681; PubMed 9536098.

NM_000702.4(ATP1A2):c.2840+3G>A

Gene: ATP1A2 (ATPase Na+/K+ transporting subunit alpha 2; plus strand). Cytogenetic location: 1q23.2.
Variant type: single nucleotide variant.
Coding change: c.2840+3G>A on transcript NM_000702.4 (MANE Select); 3 bases into the intron after coding-DNA position 2840, G replaced by A.
Molecular consequence: intron variant.
Genome position (GRCh38, 1-based): chr1:160,137,034, G>A. VCF-style: chr1-160137034-G-A. GRCh37 (hg19) VCF-style: chr1-160106824-G-A.
Identifiers: ClinVar variation 3664837 (VCV003664837.2).